The following is an entry in ClinVar:

ClinVar aggregate classification (germline): Conflicting classifications of pathogenicity. Review status: criteria provided, conflicting classifications (1 of 4 stars). 2 submissions from 2 submitters: Uncertain significance (1); Likely benign (1). Last evaluated 2025-04-01.

Conditions:
Inborn genetic diseases. Identifiers: MedGen C0950123, MeSH D030342.

gnomAD v4.1: 12 of 1,606,970 alleles (0.00075%); highest among the groups gnomAD compares: East Asian, 0.0022%; no homozygotes.

Submissions (2):

Ambry Genetics
Classification: Likely benign for Inborn genetic diseases. Last evaluated: 2025-04-01. Review status: criteria provided, single submitter. Criteria: Ambry Variant Classification Scheme 2023. Collection method: clinical testing. Allele origin: germline.

Labcorp Genetics (formerly Invitae), Labcorp
Classification: Uncertain significance. Last evaluated: 2024-03-20. Review status: criteria provided, single submitter. Criteria: Invitae Variant Classification Sherloc (09022015). Collection method: clinical testing. Allele origin: germline.
Comment: This sequence change replaces alanine, which is neutral and non-polar, with threonine, which is neutral and polar, at codon 258 of the COL18A1 protein (p.Ala258Thr). The frequency data for this variant in the population databases is considered unreliable, as metrics indicate poor data quality at this position in the gnomAD database. This variant has not been reported in the literature in individuals affected with COL18A1-related conditions. Algorithms developed to predict the effect of missense changes on protein structure and function output the following: SIFT: "Not Available"; PolyPhen-2: "Not Available"; Align-GVGD: "Not Available". The threonine amino acid residue is found in multiple mammalian species, which suggests that this missense change does not adversely affect protein function. In summary, the available evidence is currently insufficient to determine the role of this variant in disease. Therefore, it has been classified as a Variant of Uncertain Significance.

NM_001379500.1(COL18A1):c.772G>A (p.Ala258Thr)

Gene: COL18A1 (collagen type XVIII alpha 1 chain; plus strand). Cytogenetic location: 21q22.3.
Variant type: single nucleotide variant.
Coding change: c.772G>A on transcript NM_001379500.1 (MANE Select); coding-DNA position 772, G replaced by A.
Protein change: p.Ala258Thr; replaces alanine 258 with threonine.
Molecular consequence: missense variant.
Genome position (GRCh38, 1-based): chr21:45,475,509, G>A. VCF-style: chr21-45475509-G-A. GRCh37 (hg19) VCF-style: chr21-46895423-G-A.
Other names: NM_130445.2:c.772G>A; c.1312G>A, p.Ala438Thr (NM_030582.4); c.2017G>A, p.Ala673Thr (NM_130444.3); short protein forms A673T, A258T, A438T.
Identifiers: ClinVar variation 3664908 (VCV003664908.3).